The following is an entry in ClinVar:

ClinVar aggregate classification (germline): Uncertain significance (1 of 4 stars; one submission).

Conditions:
Emery-Dreifuss muscular dystrophy 5, autosomal dominant (EDMD5). Also called: EMERY-DREIFUSS MUSCULAR DYSTROPHY 5. Identifiers: Orphanet 261, MedGen C2751805, MONDO:0013072, OMIM 612999.

gnomAD v4.1: 8 of 1,614,146 alleles (0.0005%); highest among the groups gnomAD compares: Non-Finnish European, 0.00068%; no homozygotes.

Submission:

Labcorp Genetics (formerly Invitae), Labcorp
Classification: Uncertain significance for Emery-Dreifuss muscular dystrophy 5, autosomal dominant. Last evaluated: 2024-05-13. Review status: criteria provided, single submitter. Criteria: Invitae Variant Classification Sherloc (09022015). Collection method: clinical testing. Allele origin: germline.
Comment: This sequence change replaces aspartic acid, which is acidic and polar, with asparagine, which is neutral and polar, at codon 6473 of the SYNE2 protein (p.Asp6473Asn). This variant is present in population databases (rs140940287, gnomAD 0.002%). This variant has not been reported in the literature in individuals affected with SYNE2-related conditions. An algorithm developed to predict the effect of missense changes on protein structure and function (PolyPhen-2) suggests that this variant is likely to be disruptive. In summary, the available evidence is currently insufficient to determine the role of this variant in disease. Therefore, it has been classified as a Variant of Uncertain Significance.

NM_182914.3(SYNE2):c.19417G>A (p.Asp6473Asn)

Gene: SYNE2 (spectrin repeat containing nuclear envelope protein 2; plus strand). Cytogenetic location: 14q23.2.
Variant type: single nucleotide variant.
Coding change: c.19417G>A on transcript NM_182914.3 (MANE Select); coding-DNA position 19417, G replaced by A.
Protein change: p.Asp6473Asn; replaces aspartic acid 6473 with asparagine.
Molecular consequence: missense variant. On other transcripts: 5 prime UTR variant (1).
Genome position (GRCh38, 1-based): chr14:64,216,262, G>A. VCF-style: chr14-64216262-G-A. GRCh37 (hg19) VCF-style: chr14-64682980-G-A.
Other names: c.19348G>A, p.Asp6450Asn (NM_015180.6); c.-60G>A (NM_182910.2); c.319G>A, p.Asp107Asn (NM_182913.4); short protein forms D6473N, D6450N, D107N.
Identifiers: ClinVar variation 2695868 (VCV002695868.3), dbSNP rs140940287, ClinGen allele CA7224442.